The following is an entry in ClinVar:

ClinVar aggregate classification (germline): Uncertain significance (1 of 4 stars; one submission).

Conditions:
Fanconi anemia (FA). Also called: Fanconi's anemia. Identifiers: Orphanet 84, MedGen C0015625, MeSH D005199, MONDO:0019391.

Submission:

Labcorp Genetics (formerly Invitae), Labcorp
Classification: Uncertain significance for Fanconi anemia. Last evaluated: 2021-11-19. Review status: criteria provided, single submitter. Criteria: Invitae Variant Classification Sherloc (09022015). Collection method: clinical testing. Allele origin: germline.
Comment: This variant has not been reported in the literature in individuals affected with FANCM-related conditions. In summary, the available evidence is currently insufficient to determine the role of this variant in disease. Therefore, it has been classified as a Variant of Uncertain Significance. Algorithms developed to predict the effect of missense changes on protein structure and function are either unavailable or do not agree on the potential impact of this missense change (SIFT: "Tolerated"; PolyPhen-2: "Probably Damaging"; Align-GVGD: "Class C0"). This variant is not present in population databases (gnomAD no frequency). This sequence change replaces threonine, which is neutral and polar, with proline, which is neutral and non-polar, at codon 1941 of the FANCM protein (p.Thr1941Pro).

NM_020937.4(FANCM):c.5821A>C (p.Thr1941Pro)

Gene: FANCM (FA complementation group M; plus strand). Cytogenetic location: 14q21.2.
Variant type: single nucleotide variant.
Coding change: c.5821A>C on transcript NM_020937.4 (MANE Select); coding-DNA position 5821, A replaced by C.
Protein change: p.Thr1941Pro; replaces threonine 1941 with proline.
Molecular consequence: missense variant.
Genome position (GRCh38, 1-based): chr14:45,198,748, A>C. VCF-style: chr14-45198748-A-C. GRCh37 (hg19) VCF-style: chr14-45667951-A-C.
Other names: c.5743A>C, p.Thr1915Pro (NM_001308133.2); short protein forms T1915P, T1941P.
Identifiers: ClinVar variation 1380692 (VCV001380692.6), dbSNP rs2139328515, ClinGen allele CA389586928.